The following is an entry in ClinVar:

ClinVar aggregate classification (germline): Likely benign. Review status: criteria provided, multiple submitters, no conflicts (2 of 4 stars). 2 submissions from 2 submitters: Likely benign (2). Last evaluated 2025-08-18.

Conditions:
TRPM1-related disorder. Also called: TRPM1-related condition.

Allele frequency attached by ClinVar (database versions not stated): TOPMed below 0.00001; gnomAD exomes 0.00002 and 0.00004; ExAC 0.00003.

Submissions (2):

PreventionGenetics, part of Exact Sciences
Classification: Likely benign for TRPM1-related condition. Last evaluated: 2025-08-18. Review status: criteria provided, single submitter. Criteria: ACMG Guidelines, 2015. Collection method: clinical testing. Allele origin: germline.
Comment: This variant is classified as likely benign based on ACMG/AMP sequence variant interpretation guidelines (Richards et al. 2015 PMID: 25741868, with internal and published modifications).

Labcorp Genetics (formerly Invitae), Labcorp
Classification: Likely benign. Last evaluated: 2024-12-16. Review status: criteria provided, single submitter. Criteria: Invitae Variant Classification Sherloc (09022015). Collection method: clinical testing. Allele origin: germline.

NM_001252024.2(TRPM1):c.2667C>T (p.Tyr889=)

Genes: TRPM1-AS1 (TRPM1 antisense RNA 1; plus strand), TRPM1 (transient receptor potential cation channel subfamily M member 1; minus strand). Cytogenetic location: 15q13.3.
Variant type: single nucleotide variant.
Coding change: c.2667C>T on transcript NM_001252024.2 (MANE Select); coding-DNA position 2667, C replaced by T.
Protein change: p.Tyr889=; no amino-acid change (tyrosine 889 retained).
Molecular consequence: synonymous variant.
Genome position (GRCh38, 1-based): chr15:31,035,579, G>A on the plus strand (C>T on the coding strand, the complement: TRPM1 is on the minus strand). VCF-style: chr15-31035579-G-A. GRCh37 (hg19) VCF-style: chr15-31327782-G-A.
Other names: c.2718C>T (NM_001252020.1); c.2718C>T, p.Tyr906= (NM_001252020.2); c.2601C>T, p.Tyr867= (NM_002420.6).
Identifiers: ClinVar variation 791097 (VCV000791097.9), dbSNP rs774165531, ClinGen allele CA7452112.